The following is an entry in ClinVar:

ClinVar aggregate classification (germline): Conflicting classifications of pathogenicity. Review status: criteria provided, conflicting classifications (1 of 4 stars). 4 submissions from 4 submitters: Uncertain significance (2); Likely benign (2). Last evaluated 2024-10-30.

Conditions:
Rubinstein-Taybi syndrome (RSTS). Identifiers: Orphanet 783, MedGen C0035934, MONDO:0019188.
Menke-Hennekam syndrome 1 (MKHK1). Identifiers: MedGen C5193034, MONDO:0020763, OMIM 618332.
Rubinstein-Taybi syndrome due to CREBBP mutations (RSTS1). Also called: CREBBP-Related Rubinstein-Taybi Syndrome; RUBINSTEIN SYNDROME; Rubinstein-Taybi syndrome 1; RUBINSTEIN-TAYBI SYNDROME 1, INCOMPLETE; BROAD THUMB-HALLUX SYNDROME; BROAD THUMBS AND GREAT TOES, CHARACTERISTIC FACIES, AND IMPAIRED INTELLECTUAL DEVELOPMENT. Identifiers: Orphanet 353277, Orphanet 783, MedGen C4551859, MONDO:0008393, OMIM 180849.

Allele frequency attached by ClinVar (database versions not stated): gnomAD exomes 0.00001; TOPMed 0.00001; ExAC 0.00002; gnomAD 0.00003; ESP Exome Variant Server 0.00008.
gnomAD v4.1: 8 of 1,613,972 alleles (0.0005%); highest among the groups gnomAD compares: African/African-American, 0.004%; no homozygotes.

Submissions (4):

Labcorp Genetics (formerly Invitae), Labcorp
Classification: Likely benign for Rubinstein-Taybi syndrome. Last evaluated: 2024-10-30. Review status: criteria provided, single submitter. Criteria: Invitae Variant Classification Sherloc (09022015). Collection method: clinical testing. Allele origin: germline.

CeGaT Center for Human Genetics Tuebingen
Classification: Likely benign. Last evaluated: 2024-06-01. Review status: criteria provided, single submitter. Criteria: CeGaT Center For Human Genetics Tuebingen Variant Classification Criteria Version 2. Collection method: clinical testing. Allele origin: germline. Affected: yes. Observed: 1 variant allele.
Comment: CREBBP: BS2

Fulgent Genetics
Classification: Uncertain significance for Rubinstein-Taybi syndrome due to CREBBP mutations; Menke-Hennekam syndrome 1. Last evaluated: 2024-04-12. Review status: criteria provided, single submitter. Criteria: ACMG Guidelines, 2015. Collection method: clinical testing. Allele origin: germline.

GeneDx
Classification: Uncertain significance. Last evaluated: 2021-06-04. Review status: criteria provided, single submitter. Criteria: GeneDx Variant Classification Process June 2021. Collection method: clinical testing. Allele origin: germline. Affected: yes.
Comment: In silico analysis supports that this missense variant has a deleterious effect on protein structure/function; Has not been previously published as pathogenic or benign to our knowledge; This variant is associated with the following publications: (PMID: 27535533)

NM_004380.3(CREBBP):c.2141G>A (p.Arg714His)

Gene: CREBBP (CREB binding lysine acetyltransferase; minus strand). Cytogenetic location: 16p13.3.
Variant type: single nucleotide variant.
Coding change: c.2141G>A on transcript NM_004380.3 (MANE Select); coding-DNA position 2141, G replaced by A.
Protein change: p.Arg714His; replaces arginine 714 with histidine.
Molecular consequence: missense variant.
Genome position (GRCh38, 1-based): chr16:3,777,630, C>T on the plus strand (G>A on the coding strand, the complement: CREBBP is on the minus strand). VCF-style: chr16-3777630-C-T. GRCh37 (hg19) VCF-style: chr16-3827631-C-T.
Other names: c.2027G>A, p.Arg676His (NM_001079846.1); short protein forms R676H, R714H.
Identifiers: ClinVar variation 1327248 (VCV001327248.24), dbSNP rs141098117, ClinGen allele CA7870248.